The following is an entry in ClinVar:

ClinVar aggregate classification (germline): Uncertain significance. Review status: criteria provided, multiple submitters, no conflicts (2 of 4 stars). 2 submissions from 2 submitters: Uncertain significance (2). Last evaluated 2024-12-16.

Conditions:
Inborn genetic diseases. Identifiers: MedGen C0950123, MeSH D030342.

Allele frequency attached by ClinVar (database versions not stated): ExAC 0.00001; gnomAD exomes 0.00004; TOPMed 0.00005.
gnomAD v4.1: 61 of 1,613,958 alleles (0.0038%); highest among the groups gnomAD compares: Non-Finnish European, 0.005%; no homozygotes.

Submissions (2):

Labcorp Genetics (formerly Invitae), Labcorp
Classification: Uncertain significance. Last evaluated: 2024-12-16. Review status: criteria provided, single submitter. Criteria: Invitae Variant Classification Sherloc (09022015). Collection method: clinical testing. Allele origin: germline.
Comment: This sequence change replaces arginine, which is basic and polar, with isoleucine, which is neutral and non-polar, at codon 410 of the PLK4 protein (p.Arg410Ile). This variant is present in population databases (rs773353771, gnomAD 0.008%). This variant has not been reported in the literature in individuals affected with PLK4-related conditions. ClinVar contains an entry for this variant (Variation ID: 1436896). An algorithm developed to predict the effect of missense changes on protein structure and function (PolyPhen-2) suggests that this variant is likely to be disruptive. In summary, the available evidence is currently insufficient to determine the role of this variant in disease. Therefore, it has been classified as a Variant of Uncertain Significance.

Ambry Genetics
Classification: Uncertain significance for Inborn genetic diseases. Last evaluated: 2024-09-20. Review status: criteria provided, single submitter. Criteria: Ambry Variant Classification Scheme 2023. Collection method: clinical testing. Allele origin: germline.

NM_014264.5(PLK4):c.1229G>T (p.Arg410Ile)

Gene: PLK4 (polo like kinase 4; plus strand). Cytogenetic location: 4q28.1.
Variant type: single nucleotide variant.
Coding change: c.1229G>T on transcript NM_014264.5 (MANE Select); coding-DNA position 1229, G replaced by T.
Protein change: p.Arg410Ile; replaces arginine 410 with isoleucine.
Molecular consequence: missense variant.
Genome position (GRCh38, 1-based): chr4:127,886,599, G>T. VCF-style: chr4-127886599-G-T. GRCh37 (hg19) VCF-style: chr4-128807754-G-T.
Other names: c.1133G>T, p.Arg378Ile (NM_001190799.2); c.1106G>T, p.Arg369Ile (NM_001190801.2); c.1229G>T (NM_014264.4); short protein forms R410I, R369I, R378I.
Identifiers: ClinVar variation 1436896 (VCV001436896.6), dbSNP rs773353771, ClinGen allele CA3076709.